The following is an entry in ClinVar:

ClinVar aggregate classification (germline): Benign/Likely benign. Review status: criteria provided, multiple submitters, no conflicts (2 of 4 stars). 3 submissions from 3 submitters: Benign (1); Likely benign (2). Last evaluated 2024-05-08.

Conditions:
Hereditary cancer-predisposing syndrome. Also called: Hereditary Cancer Syndrome; Neoplastic Syndromes, Hereditary; Tumor predisposition; Hereditary neoplastic syndrome. Identifiers: Orphanet 140162, MedGen C0027672, MeSH D009386, MONDO:0015356.
Familial cancer of breast. Also called: Hereditary breast cancer; hereditary breast carcinoma; BREAST CANCER, FAMILIAL. Identifiers: Orphanet 227535, MedGen C0346153, MONDO:0016419, OMIM 114480. Disease mechanism: loss of function.
Ataxia-telangiectasia syndrome (AT). Also called: Ataxia telangiectasia (A-T); Ataxia-telangiectasia, complementation group E; LOUIS-BAR SYNDROME; Cerebello-oculocutaneous telangiectasia; Immunodeficiency with ataxia telangiectasia; Ataxia-telangiectasia, complementation group D. Identifiers: Orphanet 100, MedGen C0004135, MONDO:0008840, OMIM 208900.

Allele frequency attached by ClinVar (database versions not stated): gnomAD exomes below 0.00001.
gnomAD v4.1: 1 of 1,614,100 alleles (0.000062%); highest among the groups gnomAD compares: Non-Finnish European, 0.000085%; no homozygotes.

Submissions (3):

Myriad Genetics, Inc.
Classification: Benign for Familial cancer of breast. Last evaluated: 2024-05-08. Review status: criteria provided, single submitter. Criteria: Myriad Autosomal Dominant, Autosomal Recessive and X-Linked Classification Criteria (2023). Collection method: clinical testing. Allele origin: unknown.
Comment: This variant is considered benign. This variant is a silent/synonymous amino acid change and it is not expected to impact splicing.

Labcorp Genetics (formerly Invitae), Labcorp
Classification: Likely benign for Ataxia-telangiectasia syndrome. Last evaluated: 2023-10-03. Review status: criteria provided, single submitter. Criteria: Invitae Variant Classification Sherloc (09022015). Collection method: clinical testing. Allele origin: germline.

Ambry Genetics
Classification: Likely benign for Hereditary cancer-predisposing syndrome. Last evaluated: 2015-03-12. Review status: criteria provided, single submitter. Criteria: Ambry Variant Classification Scheme 2023. Collection method: clinical testing. Allele origin: germline.

NM_000051.4(ATM):c.2326T>C (p.Leu776=)

Gene: ATM (ATM serine/threonine kinase; plus strand). Cytogenetic location: 11q22.3.
Variant type: single nucleotide variant.
Coding change: c.2326T>C on transcript NM_000051.4 (MANE Select); coding-DNA position 2326, T replaced by C.
Protein change: p.Leu776=; no amino-acid change (leucine 776 retained).
Molecular consequence: synonymous variant.
Genome position (GRCh38, 1-based): chr11:108,257,556, T>C. VCF-style: chr11-108257556-T-C. GRCh37 (hg19) VCF-style: chr11-108128283-T-C.
Other names: c.2326T>C, p.Leu776= (NM_001351834.2).
Identifiers: ClinVar variation 230855 (VCV000230855.15), dbSNP rs762937809, ClinGen allele CA10579050.